The following is an entry in ClinVar:

NM_001355469.2(GOLGA8T):c.1710C>T (p.Asp570=)

Gene: GOLGA8T (golgin A8 family member T; plus strand). Cytogenetic location: 15q13.2.
Variant type: single nucleotide variant.
Coding change: c.1710C>T on transcript NM_001355469.2 (MANE Select); coding-DNA position 1710, C replaced by T.
Protein change: p.Asp570=; no amino-acid change (aspartic acid 570 retained).
Molecular consequence: synonymous variant.
Genome position (GRCh38, 1-based): chr15:30,145,297, C>T. VCF-style: chr15-30145297-C-T. GRCh37 (hg19) VCF-style: chr15-30437500-C-T.
Identifiers: ClinVar variation 2645104 (VCV002645104.24), dbSNP rs1192155325, ClinGen allele CA489275866.

ClinVar aggregate classification (germline): Likely benign (1 of 4 stars; one submission).

Allele frequency attached by ClinVar (database versions not stated): 1000 Genomes Project 30x 0.00531.

Submission:

CeGaT Center for Human Genetics Tuebingen
Classification: Likely benign. Last evaluated: 2022-07-01. Review status: criteria provided, single submitter. Criteria: CeGaT Center For Human Genetics Tuebingen Variant Classification Criteria Version 2. Collection method: clinical testing. Allele origin: germline. Affected: yes. Observed: 1 variant allele.
Comment: GOLGA8T: BP4, BP7